The following is an entry in ClinVar:

NM_000135.4(FANCA):c.2429C>G (p.Ala810Gly)

Gene: FANCA (FA complementation group A; minus strand). Cytogenetic location: 16q24.3.
Variant type: single nucleotide variant.
Coding change: c.2429C>G on transcript NM_000135.4 (MANE Select); coding-DNA position 2429, C replaced by G.
Protein change: p.Ala810Gly; replaces alanine 810 with glycine.
Molecular consequence: missense variant.
Genome position (GRCh38, 1-based): chr16:89,769,912, G>C on the plus strand (C>G on the coding strand, the complement: FANCA is on the minus strand). VCF-style: chr16-89769912-G-C. GRCh37 (hg19) VCF-style: chr16-89836320-G-C.
Other names: c.2429C>G, p.Ala810Gly (NM_001286167.3); c.2429C>G (NM_000135.2); short protein forms A810G.
Identifiers: ClinVar variation 1000262 (VCV001000262.13), dbSNP rs1486995764, ClinGen allele CA397443522.

ClinVar aggregate classification (germline): Uncertain significance. Review status: criteria provided, multiple submitters, no conflicts (2 of 4 stars). 4 submissions from 4 submitters: Uncertain significance (3). 1 of the submissions does not count toward it. Last evaluated 2025-03-20.

Conditions:
Inborn genetic diseases. Identifiers: MedGen C0950123, MeSH D030342.
Fanconi anemia (FA). Also called: Fanconi's anemia. Identifiers: Orphanet 84, MedGen C0015625, MeSH D005199, MONDO:0019391.
Fanconi anemia complementation group A (FANCA). Also called: Fanconi anemia, group A; FANCA-Related Fanconi Anemia. Identifiers: Orphanet 84, MedGen C3469521, MONDO:0009215, OMIM 227650.

Allele frequency attached by ClinVar (database versions not stated): gnomAD exomes 0.00001; TOPMed 0.00001.

Submissions (4):

Ambry Genetics
Classification: Uncertain significance for Inborn genetic diseases. Last evaluated: 2025-03-20. Review status: criteria provided, single submitter. Criteria: Ambry Variant Classification Scheme 2023. Collection method: clinical testing. Allele origin: germline.
Comment: The p.A810G variant (also known as c.2429C>G), located in coding exon 26 of the FANCA gene, results from a C to G substitution at nucleotide position 2429. The alanine at codon 810 is replaced by glycine, an amino acid with similar properties. This amino acid position is conserved. In addition, this alteration is predicted to be tolerated by in silico analysis. Based on the available evidence, the clinical significance of this variant remains unclear.

Labcorp Genetics (formerly Invitae), Labcorp
Classification: Uncertain significance for Fanconi anemia. Last evaluated: 2024-11-05. Review status: criteria provided, single submitter. Criteria: Invitae Variant Classification Sherloc (09022015). Collection method: clinical testing. Allele origin: germline.
Comment: This sequence change replaces alanine, which is neutral and non-polar, with glycine, which is neutral and non-polar, at codon 810 of the FANCA protein (p.Ala810Gly). This variant is not present in population databases (gnomAD no frequency). This variant has not been reported in the literature in individuals affected with FANCA-related conditions. ClinVar contains an entry for this variant (Variation ID: 1000262). Invitae Evidence Modeling of protein sequence and biophysical properties (such as structural, functional, and spatial information, amino acid conservation, physicochemical variation, residue mobility, and thermodynamic stability) indicates that this missense variant is not expected to disrupt FANCA protein function with a negative predictive value of 95%. In summary, the available evidence is currently insufficient to determine the role of this variant in disease. Therefore, it has been classified as a Variant of Uncertain Significance.

Fulgent Genetics
Classification: Uncertain significance for Fanconi anemia complementation group A. Last evaluated: 2024-03-27. Review status: criteria provided, single submitter. Criteria: ACMG Guidelines, 2015. Collection method: clinical testing. Allele origin: germline.

Natera, Inc.
Classification: Uncertain significance for Fanconi anemia. Last evaluated: 2020-11-10. Review status: no assertion criteria provided. Collection method: clinical testing. Allele origin: germline. Not counted in ClinVar's aggregate classification.